The following is an entry in ClinVar:

ClinVar aggregate classification (germline): Likely pathogenic (1 of 4 stars; one submission).

Conditions:
Houge-Janssens syndrome 1. Also called: INTELLECTUAL DEVELOPMENTAL DISORDER, AUTOSOMAL DOMINANT 35; PPP2R5D-Related Neurodevelopmental Disorder; Intellectual disability-macrocephaly-hypotonia-behavioral abnormalities syndrome; Hogue-Janssens syndrome 1. Identifiers: Orphanet 457279, MedGen C5779996, MONDO:0014602, OMIM 616355.

Submission:

Institute of Human Genetics, University of Leipzig Medical Center
Classification: Likely pathogenic for Houge-Janssens syndrome 1. Last evaluated: 2021-07-29. Review status: criteria provided, single submitter. Criteria: ACMG Guidelines, 2015. Collection method: clinical testing. Allele origin: unknown. Inheritance: Autosomal dominant inheritance. Affected: yes.
Comment: Criteria applied: PM1_STR, PM4, PM2_SUP

NM_006245.4(PPP2R5D):c.570_605del (p.Gly191_Thr202del)

Gene: PPP2R5D (protein phosphatase 2 regulatory subunit B'delta; plus strand). Cytogenetic location: 6p21.1.
Variant type: Deletion.
Coding change: c.570_605del on transcript NM_006245.4 (MANE Select); coding-DNA positions 570 to 605, 36 bases deleted.
Protein change: p.Gly191_Thr202del.
Genome position (GRCh38, 1-based): chr6:43,007,243-43,007,278, 36 bases deleted; deleting any 36 consecutive bases within chr6:43,007,238-43,007,278 gives the same sequence; the c. name uses the placement nearest the transcript's 3' end. GRCh37 (hg19): chr6:42,974,981-42,975,016.
Other names: c.117_152del, p.Gly40_Thr51del (NM_001270476.2); c.474_509del, p.Gly159_Thr170del (NM_180976.3); c.252_287del, p.Gly85_Thr96del (NM_180977.3).
Identifiers: ClinVar variation 3358934 (VCV003358934.2).
Genomic context (GRCh38, chr6:43,007,237, plus strand): 5'-AACTGGCCCTACCCCTCAGTTTTCAGTGAACCTCTTCCGGACGCTGCCACCTTCATCGAA[TCCCACAGGGGCTGAGTTTGACCCAGAGGAAGATGAG>T]CCCACCCTGGAAGCTGCTTGGCCACATCTCCAGGTACCAGGGCAAGGGGGCAGATTGGCC-3'